The following is an entry in ClinVar:

ClinVar aggregate classification (germline): Pathogenic (1 of 4 stars; one submission).

Conditions:
Familial cancer of breast. Also called: hereditary breast carcinoma; BREAST CANCER, FAMILIAL; Hereditary breast cancer. Identifiers: Orphanet 227535, MedGen C0346153, MONDO:0016419, OMIM 114480. Disease mechanism: loss of function.

Submission:

Myriad Genetics, Inc.
Classification: Pathogenic for Familial cancer of breast. Last evaluated: 2025-09-11. Review status: criteria provided, single submitter. Criteria: Myriad Autosomal Dominant, Autosomal Recessive and X-Linked Classification Criteria (2023). Collection method: clinical testing. Allele origin: unknown.
Comment: This variant is considered pathogenic. This variant creates a frameshift predicted to result in premature protein truncation.

NM_000465.4(BARD1):c.1247del (p.Leu416fs)

Gene: BARD1 (BRCA1 associated RING domain 1; minus strand). Cytogenetic location: 2q35.
Variant type: Deletion.
Coding change: c.1247del on transcript NM_000465.4 (MANE Select); coding-DNA position 1247, one base deleted (T; older notation c.1247delT).
Protein change: p.Leu416fs; shifts the reading frame from leucine 416.
Molecular consequence: frameshift variant. On other transcripts: non-coding transcript variant (2), intron variant (3).
Genome position (GRCh38, 1-based): chr2:214,780,627, A deleted on the plus strand (T on the coding strand, the reverse complement: BARD1 is on the minus strand). VCF-style (leftmost placement, unchanged base first): chr2-214780626-CA-C. GRCh37 (hg19) VCF-style: chr2-215645350-CA-C.
Other names: c.1190del, p.Leu397fs (NM_001282543.2); c.159-28072del (NM_001282548.2); c.215+16434del (NM_001282545.2); c.364+11670del (NM_001282549.2); short protein forms L397fs, L416fs.
Identifiers: ClinVar variation 4294196 (VCV004294196.1).